The following is an entry in ClinVar:

NM_006031.6(PCNT):c.5341G>A (p.Gly1781Arg)

Gene: PCNT (pericentrin; plus strand). Cytogenetic location: 21q22.3.
Variant type: single nucleotide variant.
Coding change: c.5341G>A on transcript NM_006031.6 (MANE Select); coding-DNA position 5341, G replaced by A.
Protein change: p.Gly1781Arg; replaces glycine 1781 with arginine.
Molecular consequence: missense variant.
Genome position (GRCh38, 1-based): chr21:46,411,414, G>A. VCF-style: chr21-46411414-G-A. GRCh37 (hg19) VCF-style: chr21-47831328-G-A.
Other names: c.4987G>A, p.Gly1663Arg (NM_001315529.2); short protein forms G1781R, G1663R.
Identifiers: ClinVar variation 585150 (VCV000585150.23), dbSNP rs200137805, ClinGen allele CA10079954.
Genomic context (GRCh38, chr21:46,411,414, plus strand): 5'-CACGAAGTCAGCGACAGTCAGGCTGGCAGTCTGCAGAGCGAGCTGCTCTGCTCCCAGGCC[G>A]GGGGCCCTCGTGGGCAGGCCCTACAGGGCGAGCTCGAGGCTGCGCTGGAAGCCAAGGAGG-3'
Protein context (NP_006022.3, residues 1771-1791): LQSELLCSQA[Gly1781Arg]GPRGQALQGE

ClinVar aggregate classification (germline): Conflicting classifications of pathogenicity. Review status: criteria provided, conflicting classifications (1 of 4 stars). 4 submissions from 4 submitters: Uncertain significance (2); Likely benign (1). 1 of the submissions does not count toward it. Last evaluated 2025-07-10.

Conditions:
PCNT-related disorder. Also called: PCNT-related condition.
Microcephalic osteodysplastic primordial dwarfism type II (MOPD2). Also called: MOPD II; OSTEODYSPLASTIC PRIMORDIAL DWARFISM, TYPE II; Microcephalic osteodysplastic primordial dwarfism with tooth abnormalities. Identifiers: Orphanet 2637, MedGen C0432246, MONDO:0008872, OMIM 210720.

Allele frequency attached by ClinVar (database versions not stated): gnomAD 0.00006 and 0.00013; TOPMed 0.00009; gnomAD exomes 0.00012; ExAC 0.00014; 1000 Genomes Project 0.00060; 1000 Genomes Project 30x 0.00078.
gnomAD v4.1: 188 of 1,613,040 alleles (0.012%); highest among the groups gnomAD compares: East Asian, 0.22%; 1 homozygote.

Submissions (4):

Labcorp Genetics (formerly Invitae), Labcorp
Classification: Uncertain significance. Last evaluated: 2025-07-10. Review status: criteria provided, single submitter. Criteria: Invitae Variant Classification Sherloc (09022015). Collection method: clinical testing. Allele origin: germline.
Comment: This sequence change replaces glycine, which is neutral and non-polar, with arginine, which is basic and polar, at codon 1781 of the PCNT protein (p.Gly1781Arg). This variant is present in population databases (rs200137805, gnomAD 0.1%). This variant has not been reported in the literature in individuals affected with PCNT-related conditions. ClinVar contains an entry for this variant (Variation ID: 585150). An algorithm developed to predict the effect of missense changes on protein structure and function (PolyPhen-2) suggests that this variant is likely to be tolerated. In summary, the available evidence is currently insufficient to determine the role of this variant in disease. Therefore, it has been classified as a Variant of Uncertain Significance.

CeGaT Center for Human Genetics Tuebingen
Classification: Likely benign. Last evaluated: 2025-01-01. Review status: criteria provided, single submitter. Criteria: CeGaT Center For Human Genetics Tuebingen Variant Classification Criteria Version 2. Collection method: clinical testing. Allele origin: germline. Affected: yes. Observed: 1 variant allele.
Comment: PCNT: BP4

Illumina Laboratory Services, Illumina
Classification: Uncertain significance for Microcephalic osteodysplastic primordial dwarfism type II. Last evaluated: 2018-01-13. Review status: criteria provided, single submitter. Criteria: ICSL Variant Classification Criteria 13 December 2019. Collection method: clinical testing. Allele origin: germline.

PreventionGenetics, part of Exact Sciences
Classification: Uncertain significance for PCNT-related condition. Last evaluated: 2024-05-21. Review status: no assertion criteria provided. Collection method: clinical testing. Allele origin: germline. Not counted in ClinVar's aggregate classification.
Comment: The PCNT c.5341G>A variant is predicted to result in the amino acid substitution p.Gly1781Arg. To our knowledge, this variant has not been reported in the literature. This variant is reported in 0.13% of alleles in individuals of East Asian descent in gnomAD, which may be too frequent to be a primary cause of disease. Although we suspect that this variant may be benign, at this time, the clinical significance of this variant is uncertain due to the absence of conclusive functional and genetic evidence.